The following is an entry in ClinVar:

ClinVar aggregate classification (germline): Uncertain significance (1 of 4 stars; one submission).

Submission:

CeGaT Center for Human Genetics Tuebingen
Classification: Uncertain significance. Last evaluated: 2026-06-01. Review status: criteria provided, single submitter. Criteria: CeGaT Center For Human Genetics Tuebingen Variant Classification Criteria Version 2. Collection method: clinical testing. Allele origin: germline. Affected: yes. Observed: 1 variant allele.
Comment: HSPG2: PM2, BP4

NM_005529.7(HSPG2):c.10411C>T (p.Pro3471Ser)

Gene: HSPG2 (heparan sulfate proteoglycan 2; minus strand). Cytogenetic location: 1p36.12.
Variant type: single nucleotide variant.
Coding change: c.10411C>T on transcript NM_005529.7 (MANE Select); coding-DNA position 10411, C replaced by T.
Protein change: p.Pro3471Ser; replaces proline 3471 with serine.
Molecular consequence: missense variant.
Genome position (GRCh38, 1-based): chr1:21,835,582, G>A on the plus strand (C>T on the coding strand, the complement: HSPG2 is on the minus strand). VCF-style: chr1-21835582-G-A. GRCh37 (hg19) VCF-style: chr1-22162075-G-A.
Other names: c.10414C>T, p.Pro3472Ser (NM_001291860.2); short protein forms P3471S, P3472S.
Identifiers: ClinVar variation 4875212 (VCV004875212.2).